The following is an entry in ClinVar:

NM_003482.4(KMT2D):c.1967del (p.Leu656fs)

Gene: KMT2D (lysine methyltransferase 2D; minus strand). Cytogenetic location: 12q13.12.
Variant type: Deletion.
Coding change: c.1967del on transcript NM_003482.4 (MANE Select); coding-DNA position 1967, one base deleted (T; older notation c.1967delT).
Protein change: p.Leu656fs; shifts the reading frame from leucine 656.
Molecular consequence: frameshift variant.
Genome position (GRCh38, 1-based): chr12:49,051,716, A deleted on the plus strand (T on the coding strand, the reverse complement: KMT2D is on the minus strand). VCF-style (leftmost placement, unchanged base first): chr12-49051715-CA-C. GRCh37 (hg19) VCF-style: chr12-49445498-CA-C.
Other names: c.1967delT (NM_003482.4); short protein forms L656fs.
Identifiers: ClinVar variation 986158 (VCV000986158.7), dbSNP rs772870804, ClinGen allele CA6548378.

ClinVar aggregate classification (germline): Pathogenic/Likely pathogenic. Review status: criteria provided, multiple submitters, no conflicts (2 of 4 stars). 4 submissions from 4 submitters: Pathogenic (3); Likely pathogenic (1). Last evaluated 2024-08-05.

Conditions:
Kabuki syndrome 1 (KABUK1). Also called: KMT2D-Related Kabuki Syndrome. Identifiers: Orphanet 2322, MedGen CN030661, MONDO:0007843, OMIM 147920.
Kabuki syndrome. Also called: NIIKAWA-KUROKI SYNDROME; Kabuki make-up syndrome. Identifiers: Orphanet 2322, MedGen C0796004, MONDO:0016512.
Inborn genetic diseases. Identifiers: MedGen C0950123, MeSH D030342.

Allele frequency attached by ClinVar (database versions not stated): ExAC 0.00001.

Submissions (4):

Labcorp Genetics (formerly Invitae), Labcorp
Classification: Pathogenic for Kabuki syndrome. Last evaluated: 2024-08-05. Review status: criteria provided, single submitter. Criteria: Invitae Variant Classification Sherloc (09022015). Collection method: clinical testing. Allele origin: germline.
Comment: This sequence change creates a premature translational stop signal (p.Leu656Argfs*274) in the KMT2D gene. It is expected to result in an absent or disrupted protein product. Loss-of-function variants in KMT2D are known to be pathogenic (PMID: 22126750). This variant is not present in population databases (gnomAD no frequency). This premature translational stop signal has been observed in individual(s) with KMT2D-related conditions (PMID: 30266093). ClinVar contains an entry for this variant (Variation ID: 986158). For these reasons, this variant has been classified as Pathogenic.

3billion
Classification: Pathogenic for Kabuki syndrome 1. Last evaluated: 2022-01-03. Review status: criteria provided, single submitter. Criteria: ACMG Guidelines, 2015. Collection method: clinical testing. Allele origin: germline. Affected: yes. Observed: 1 heterozygote.
Comment: Frameshift: predicted to result in a loss or disruption of normal protein function through nonsense-mediated decay (NMD) or protein truncation. Multiple pathogenic variants are reported downstream of the variant (PVS1_VS). It is not observed in the gnomAD v2.1.1 dataset (PM2_M). The variant has been reported at least twice as pathogenic/likely pathogenic with clinical assertions and evidence for the classification (ClinVar ID: VCV000986158, PMID:30266093).Therefore, this variant is classified as pathogenic according to the recommendation of ACMG/AMP guideline.

Daryl Scott Lab, Baylor College of Medicine
Classification: Likely pathogenic for Kabuki syndrome 1. Last evaluated: 2020-11-11. Review status: criteria provided, single submitter. Criteria: ACMG Guidelines, 2015. Collection method: clinical testing. Allele origin: unknown. Observed: 1 variant allele.

Ambry Genetics
Classification: Pathogenic for Inborn genetic diseases. Last evaluated: 2018-01-19. Review status: criteria provided, single submitter. Criteria: Ambry exome assertion method (8-5-2015). Collection method: clinical testing. Allele origin: germline. Affected: yes. Observed: 1 variant allele.

Literature cited by the submitters: PubMed 22126750 (cited by Labcorp Genetics (formerly Invitae), Labcorp); PubMed 30266093 (cited by Labcorp Genetics (formerly Invitae), Labcorp and 3billion); PubMed 33461977 (cited by Daryl Scott Lab, Baylor College of Medicine).